The following is an entry in ClinVar:

ClinVar aggregate classification (germline): Uncertain significance (1 of 4 stars; one submission).

Conditions:
Hereditary nonpolyposis colorectal neoplasms. Identifiers: MedGen C0009405, MeSH D003123.

Submission:

Labcorp Genetics (formerly Invitae), Labcorp
Classification: Uncertain significance for Hereditary nonpolyposis colorectal neoplasms. Last evaluated: 2022-03-01. Review status: criteria provided, single submitter. Criteria: Invitae Variant Classification Sherloc (09022015). Collection method: clinical testing. Allele origin: germline.
Comment: In summary, the available evidence is currently insufficient to determine the role of this variant in disease. Therefore, it has been classified as a Variant of Uncertain Significance. Advanced modeling of protein sequence and biophysical properties (such as structural, functional, and spatial information, amino acid conservation, physicochemical variation, residue mobility, and thermodynamic stability) performed at Invitae indicates that this missense variant is expected to disrupt MSH6 protein function. This variant has not been reported in the literature in individuals affected with MSH6-related conditions. This variant is not present in population databases (gnomAD no frequency). This sequence change replaces isoleucine, which is neutral and non-polar, with phenylalanine, which is neutral and non-polar, at codon 1283 of the MSH6 protein (p.Ile1283Phe).

NM_000179.3(MSH6):c.3847A>T (p.Ile1283Phe)

Gene: MSH6 (mutS homolog 6; plus strand). Cytogenetic location: 2p16.3.
Variant type: single nucleotide variant.
Coding change: c.3847A>T on transcript NM_000179.3 (MANE Select); coding-DNA position 3847, A replaced by T.
Protein change: p.Ile1283Phe; replaces isoleucine 1283 with phenylalanine.
Molecular consequence: missense variant. On other transcripts: synonymous variant (1).
Genome position (GRCh38, 1-based): chr2:47,806,497, A>T. VCF-style: chr2-47806497-A-T. GRCh37 (hg19) VCF-style: chr2-48033636-A-T.
Other names: c.3457A>T, p.Ile1153Phe (NM_001281492.2); c.2941A>T, p.Ile981Phe (NM_001281493.2, NM_001281494.2, NM_001406816.1 and 6 more transcripts); c.3943A>T, p.Ile1315Phe (NM_001406795.1); c.3847A>T, p.Ile1283Phe (NM_001406796.1, NM_001406808.1, NM_001406809.1); c.3550A>T, p.Ile1184Phe (NM_001406797.1, NM_001406801.1, NM_001406818.1 and 10 more transcripts); c.3673A>T, p.Ile1225Phe (NM_001406798.1); c.3322A>T, p.Ile1108Phe (NM_001406799.1, NM_001406806.1, NM_001406807.1); c.3834A>T, p.Leu1278= (NM_001406800.1); and 8 more; short protein forms I1108F, I1184F, I1227F, I981F, I995F, I1257F, I1285F, I210F.
Identifiers: ClinVar variation 2105087 (VCV002105087.4), dbSNP rs144714869, ClinGen allele CA346761302.